The following is an entry in ClinVar:

ClinVar aggregate classification (germline): Uncertain significance (1 of 4 stars; one submission).

Conditions:
Developmental and epileptic encephalopathy. Identifiers: MedGen C5779964, MONDO:0100620.

Allele frequency attached by ClinVar (database versions not stated): ExAC 0.00001; gnomAD 0.00001; gnomAD exomes 0.00001; TOPMed 0.00001.
gnomAD v4.1: 6 of 1,606,308 alleles (0.00037%); highest among the groups gnomAD compares: Admixed American, 0.0068%; no homozygotes.

Submission:

Labcorp Genetics (formerly Invitae), Labcorp
Classification: Uncertain significance for Early-infantile DEE. Last evaluated: 2024-08-04. Review status: criteria provided, single submitter. Criteria: Invitae Variant Classification Sherloc (09022015). Collection method: clinical testing. Allele origin: germline.
Comment: This sequence change replaces glycine, which is neutral and non-polar, with arginine, which is basic and polar, at codon 471 of the SCN8A protein (p.Gly471Arg). This variant is present in population databases (rs748156622, gnomAD 0.006%). This variant has not been reported in the literature in individuals affected with SCN8A-related conditions. ClinVar contains an entry for this variant (Variation ID: 571571). Advanced modeling of protein sequence and biophysical properties (such as structural, functional, and spatial information, amino acid conservation, physicochemical variation, residue mobility, and thermodynamic stability) performed at Invitae indicates that this missense variant is not expected to disrupt SCN8A protein function with a negative predictive value of 95%. In summary, the available evidence is currently insufficient to determine the role of this variant in disease. Therefore, it has been classified as a Variant of Uncertain Significance.

NM_001330260.2(SCN8A):c.1411G>A (p.Gly471Arg)

Gene: SCN8A (sodium voltage-gated channel alpha subunit 8; plus strand). Cytogenetic location: 12q13.13.
Variant type: single nucleotide variant.
Coding change: c.1411G>A on transcript NM_001330260.2 (MANE Select); coding-DNA position 1411, G replaced by A.
Protein change: p.Gly471Arg; replaces glycine 471 with arginine.
Molecular consequence: missense variant.
Genome position (GRCh38, 1-based): chr12:51,706,491, G>A. VCF-style: chr12-51706491-G-A. GRCh37 (hg19) VCF-style: chr12-52100275-G-A.
Other names: c.1411G>A, p.Gly471Arg (NM_001177984.3, NM_001369788.1, NM_014191.4); short protein forms G471R.
Identifiers: ClinVar variation 571571 (VCV000571571.8), dbSNP rs748156622, ClinGen allele CA6571256.